The following is an entry in ClinVar:

NM_017780.4(CHD7):c.6781del (p.Ala2261fs)

Gene: CHD7 (chromodomain helicase DNA binding protein 7; plus strand). Cytogenetic location: 8q12.2.
Variant type: Deletion.
Coding change: c.6781del on transcript NM_017780.4 (MANE Select); coding-DNA position 6781, one base deleted (G; older notation c.6781delG).
Protein change: p.Ala2261fs; shifts the reading frame from alanine 2261.
Molecular consequence: frameshift variant. On other transcripts: intron variant (1).
Genome position (GRCh38, 1-based): chr8:60,854,368, G deleted. VCF-style (leftmost placement, unchanged base first): chr8-60854367-AG-A. GRCh37 (hg19) VCF-style: chr8-61766926-AG-A.
Other names: c.6781del (LRG_176t1); c.1717-7861del (NM_001316690.1); short protein forms A2261fs.
Identifiers: ClinVar variation 280921 (VCV000280921.2), dbSNP rs886042039, ClinGen allele CA10603093.

ClinVar aggregate classification (germline): Pathogenic (1 of 4 stars; one submission).

Submission:

GeneDx
Classification: Pathogenic. Last evaluated: 2016-10-04. Review status: criteria provided, single submitter. Criteria: GeneDx Variant Classification (06012015). Collection method: clinical testing. Allele origin: germline. Affected: yes.
Comment: The c.6781delG pathogenic variant in the CHD7 gene causes a frameshift starting with codon Alanine 2261, changes this amino acid to a Leucine residue and creates a premature Stop codon at position 16 of the new reading frame, denoted p.Ala2261LeufsX16. This pathogenic variant is predicted to cause loss of normal protein function either through protein truncation or nonsense-mediated mRNA decay. The variant was not observed in approximately 5,900 individuals of European and African American ancestry in the NHLBI Exome Sequencing Project, indicating it is not a common benign variant in these populations. This pathogenic variant has not been previously reported to our knowledge.